The following is an entry in ClinVar:

ClinVar aggregate classification (germline): Benign. Review status: criteria provided, multiple submitters, no conflicts (2 of 4 stars). 3 submissions from 3 submitters: Benign (2). 1 of the submissions does not count toward it. Last evaluated 2024-11-27.

Allele frequency attached by ClinVar (database versions not stated): 1000 Genomes Project 0.30970; 1000 Genomes Project 30x 0.31106; gnomAD exomes 0.34039 and 0.36737; ExAC 0.34491; TOPMed 0.34504; gnomAD 0.34791 and 0.34941; ESP Exome Variant Server 0.36529.
gnomAD v4.1: 589,023 of 1,613,280 alleles (37%); highest among the groups gnomAD compares: Middle Eastern, 45%; 109,072 homozygotes.

Submissions (3):

Blueprint Genetics
Classification: Benign. Last evaluated: 2024-11-27. Review status: criteria provided, single submitter. Criteria: ACMG Guidelines, 2015. Collection method: clinical testing. Allele origin: germline.

Breakthrough Genomics
Classification: Benign. Review status: criteria provided, single submitter. Criteria: ACMG Guidelines, 2015. Collection method: not provided. Allele origin: germline. Inheritance: Autosomal recessive inheritance. Affected: yes.

Genetic Services Laboratory, University of Chicago
Classification: Likely benign. Review status: no assertion criteria provided. Collection method: clinical testing. Allele origin: germline. Inheritance: Autosomal recessive inheritance. Not counted in ClinVar's aggregate classification.
Comment: Likely benign based on allele frequency in 1000 Genomes Project or ESP global frequency and its presence in a patient with a rare or unrelated disease phenotype. NOT Sanger confirmed

NM_024596.5(MCPH1):c.2214+21313C>T

Genes: ANGPT2 (angiopoietin 2; minus strand), MCPH1 (microcephalin 1; plus strand). Cytogenetic location: 8p23.1.
Variant type: single nucleotide variant.
Coding change: c.2214+21313C>T on transcript NM_024596.5 (MANE Select); 21313 bases into the intron after coding-DNA position 2214, C replaced by T.
Molecular consequence: intron variant. On other transcripts: synonymous variant (6).
Genome position (GRCh38, 1-based): chr8:6,521,242, C>T. VCF-style: chr8-6521242-C-T. GRCh37 (hg19) VCF-style: chr8-6378763-C-T.
Other names: c.735G>A, p.Gln245= (NM_001118887.2, NM_001147.3, NM_001386336.1 and 1 more transcripts); c.579G>A, p.Gln193= (NM_001118888.2, NM_001386335.1); c.2214+21313C>T (NM_001322042.2, NM_001363979.1, NM_001410917.1 and 1 more transcripts); c.1935+65990C>T (NM_001363980.2).
Identifiers: ClinVar variation 158838 (VCV000158838.8), dbSNP rs3020221, ClinGen allele CA172508.
Genomic context (GRCh38, chr8:6,521,242, plus strand): 5'-TGATGTGGACATCATAGTCAGTAAGTTATTAACTGTCTCCATGAGATCATGTTGCTGCTT[C>T]TGAAGAACTGAATTATTCACCGTGGCAGTCACTATTTTTTTTTCTAGTTCTTCAATGATG-3'